The following is an entry in ClinVar:

ClinVar aggregate classification (germline): Uncertain significance (1 of 4 stars; one submission).

Allele frequency attached by ClinVar (database versions not stated): TOPMed 0.00002; gnomAD 0.00005.
gnomAD v4.1: 9 of 1,612,810 alleles (0.00056%); highest among the groups gnomAD compares: African/African-American, 0.011%; no homozygotes.

Submission:

Labcorp Genetics (formerly Invitae), Labcorp
Classification: Uncertain significance. Last evaluated: 2025-07-28. Review status: criteria provided, single submitter. Criteria: Invitae Variant Classification Sherloc (09022015). Collection method: clinical testing. Allele origin: germline.
Comment: This sequence change replaces glycine, which is neutral and non-polar, with glutamic acid, which is acidic and polar, at codon 313 of the COL9A3 protein (p.Gly313Glu). This variant is present in population databases (no rsID available, gnomAD 0.01%). This variant has not been reported in the literature in individuals affected with COL9A3-related conditions. ClinVar contains an entry for this variant (Variation ID: 1346796). Invitae Evidence Modeling of protein sequence and biophysical properties (such as structural, functional, and spatial information, amino acid conservation, physicochemical variation, residue mobility, and thermodynamic stability) indicates that this missense variant is expected to disrupt COL9A3 protein function with a positive predictive value of 95%. In summary, the available evidence is currently insufficient to determine the role of this variant in disease. Therefore, it has been classified as a Variant of Uncertain Significance.

NM_001853.4(COL9A3):c.938G>A (p.Gly313Glu)

Gene: COL9A3 (collagen type IX alpha 3 chain; plus strand). Cytogenetic location: 20q13.33.
Variant type: single nucleotide variant.
Coding change: c.938G>A on transcript NM_001853.4 (MANE Select); coding-DNA position 938, G replaced by A.
Protein change: p.Gly313Glu; replaces glycine 313 with glutamic acid.
Molecular consequence: missense variant.
Genome position (GRCh38, 1-based): chr20:62,828,801, G>A. VCF-style: chr20-62828801-G-A. GRCh37 (hg19) VCF-style: chr20-61460153-G-A.
Other names: short protein forms G313E.
Identifiers: ClinVar variation 1346796 (VCV001346796.8), dbSNP rs956953655, ClinGen allele CA317333051.